The following is an entry in ClinVar:

NM_032043.3(BRIP1):c.584T>G (p.Leu195Arg)

Gene: BRIP1 (BRCA1 interacting DNA helicase 1; minus strand). Cytogenetic location: 17q23.2.
Variant type: single nucleotide variant.
Coding change: c.584T>G on transcript NM_032043.3 (MANE Select); coding-DNA position 584, T replaced by G.
Protein change: p.Leu195Arg; replaces leucine 195 with arginine.
Molecular consequence: missense variant.
Genome position (GRCh38, 1-based): chr17:61,847,144, A>C on the plus strand (T>G on the coding strand, the complement: BRIP1 is on the minus strand). VCF-style: chr17-61847144-A-C. GRCh37 (hg19) VCF-style: chr17-59924505-A-C.
Other names: short protein forms L195R.
Identifiers: ClinVar variation 1750074 (VCV001750074.4), dbSNP rs4988347, ClinGen allele CA400482981.

ClinVar aggregate classification (germline): Uncertain significance. Review status: criteria provided, multiple submitters, no conflicts (2 of 4 stars). 2 submissions from 2 submitters: Uncertain significance (2). Last evaluated 2024-11-03.

Conditions:
Hereditary cancer-predisposing syndrome. Also called: Neoplastic Syndromes, Hereditary; Tumor predisposition; Hereditary neoplastic syndrome; Hereditary Cancer Syndrome. Identifiers: Orphanet 140162, MedGen C0027672, MeSH D009386, MONDO:0015356.
Fanconi anemia complementation group J. Also called: BRIP1-Related Fanconi Anemia. Identifiers: Orphanet 84, MedGen C1836860, MONDO:0012187, OMIM 609054.
Familial cancer of breast. Also called: BREAST CANCER, FAMILIAL; Hereditary breast cancer; hereditary breast carcinoma. Identifiers: Orphanet 227535, MedGen C0346153, MONDO:0016419, OMIM 114480. Disease mechanism: loss of function.

Submissions (2):

Labcorp Genetics (formerly Invitae), Labcorp
Classification: Uncertain significance for Familial cancer of breast; Fanconi anemia complementation group J. Last evaluated: 2024-11-03. Review status: criteria provided, single submitter. Criteria: Invitae Variant Classification Sherloc (09022015). Collection method: clinical testing. Allele origin: germline.
Comment: This sequence change replaces leucine, which is neutral and non-polar, with arginine, which is basic and polar, at codon 195 of the BRIP1 protein (p.Leu195Arg). This variant is not present in population databases (gnomAD no frequency). This variant has not been reported in the literature in individuals affected with BRIP1-related conditions. ClinVar contains an entry for this variant (Variation ID: 1750074). Invitae Evidence Modeling of protein sequence and biophysical properties (such as structural, functional, and spatial information, amino acid conservation, physicochemical variation, residue mobility, and thermodynamic stability) indicates that this missense variant is not expected to disrupt BRIP1 protein function with a negative predictive value of 95%. In summary, the available evidence is currently insufficient to determine the role of this variant in disease. Therefore, it has been classified as a Variant of Uncertain Significance.

Ambry Genetics
Classification: Uncertain significance for Hereditary cancer-predisposing syndrome. Last evaluated: 2022-04-05. Review status: criteria provided, single submitter. Criteria: Ambry Variant Classification Scheme 2023. Collection method: clinical testing. Allele origin: germline.
Comment: The p.L195R variant (also known as c.584T>G), located in coding exon 5 of the BRIP1 gene, results from a T to G substitution at nucleotide position 584. The leucine at codon 195 is replaced by arginine, an amino acid with dissimilar properties. This amino acid position is conserved. In addition, this alteration is predicted to be tolerated by in silico analysis. Since supporting evidence is limited at this time, the clinical significance of this alteration remains unclear.